The following is an entry in ClinVar:

NM_152564.5(VPS13B):c.5095C>T (p.His1699Tyr)

Gene: VPS13B (vacuolar protein sorting 13 homolog B; plus strand). Cytogenetic location: 8q22.2.
Variant type: single nucleotide variant.
Coding change: c.5095C>T on transcript NM_152564.5 (MANE Select); coding-DNA position 5095, C replaced by T.
Protein change: p.His1699Tyr; replaces histidine 1699 with tyrosine.
Molecular consequence: missense variant.
Genome position (GRCh38, 1-based): chr8:99,577,508, C>T. VCF-style: chr8-99577508-C-T. GRCh37 (hg19) VCF-style: chr8-100589736-C-T.
Other names: c.5170C>T, p.His1724Tyr (NM_017890.5); short protein forms H1699Y, H1724Y.
Identifiers: ClinVar variation 834698 (VCV000834698.8), dbSNP rs765021203, ClinGen allele CA4823751.
Genomic context (GRCh38, chr8:99,577,508, plus strand): 5'-CTATCATGTTTCTTTATCTGTATTCTACCGTTTTTGCTTCAGGAGATTTTAGTGTGTGGC[C>T]ATTCCTTAGAAGTGAATATAACCACAAACCTGGACTTCTTCCTAAGTGTGGCTCAAGTTC-3'
Protein context (NP_689777.3, residues 1689-1709): LHTEEILVCG[His1699Tyr]SLEVNITTNL

ClinVar aggregate classification (germline): Uncertain significance. Review status: criteria provided, single submitter (1 of 4 stars). 2 submissions from 2 submitters: Uncertain significance (1). 1 of the submissions does not count toward it. Last evaluated 2022-07-05.

Conditions:
Cohen syndrome (COH1). Also called: Cutis verticis gyrata, retinitis pigmentosa, and sensorineural deafness; PEPPER SYNDROME. Identifiers: Orphanet 193, MedGen C0265223, MONDO:0008999, OMIM 216550.

Allele frequency attached by ClinVar (database versions not stated): gnomAD exomes below 0.00001; ExAC 0.00001.
gnomAD v4.1: 1 of 1,613,722 alleles (0.000062%); highest among the groups gnomAD compares: Admixed American, 0.0017%; no homozygotes.

Submissions (2):

Labcorp Genetics (formerly Invitae), Labcorp
Classification: Uncertain significance for Cohen syndrome. Last evaluated: 2022-07-05. Review status: criteria provided, single submitter. Criteria: Invitae Variant Classification Sherloc (09022015). Collection method: clinical testing. Allele origin: germline.
Comment: This sequence change replaces histidine, which is basic and polar, with tyrosine, which is neutral and polar, at codon 1724 of the VPS13B protein (p.His1724Tyr). This variant is present in population databases (rs765021203, gnomAD 0.003%). This variant has not been reported in the literature in individuals affected with VPS13B-related conditions. ClinVar contains an entry for this variant (Variation ID: 834698). Algorithms developed to predict the effect of missense changes on protein structure and function are either unavailable or do not agree on the potential impact of this missense change (SIFT: "Not Available"; PolyPhen-2: "Possibly Damaging"; Align-GVGD: "Not Available"). In summary, the available evidence is currently insufficient to determine the role of this variant in disease. Therefore, it has been classified as a Variant of Uncertain Significance.

Natera, Inc.
Classification: Uncertain significance for Cohen syndrome. Last evaluated: 2025-03-24. Review status: no assertion criteria provided. Collection method: clinical testing. Allele origin: germline. Not counted in ClinVar's aggregate classification.